The following is an entry in ClinVar:

ClinVar aggregate classification (germline): Likely benign (1 of 4 stars; one submission).

Conditions:
SEMA3G-related disorder. Also called: SEMA3G-related condition.

Submission:

PreventionGenetics, part of Exact Sciences
Classification: Likely benign for SEMA3G-related condition. Last evaluated: 2025-07-08. Review status: criteria provided, single submitter. Criteria: ACMG Guidelines, 2015. Collection method: clinical testing. Allele origin: germline.
Comment: This variant is classified as likely benign based on ACMG/AMP sequence variant interpretation guidelines (Richards et al. 2015 PMID: 25741868, with internal and published modifications).

NM_020163.3(SEMA3G):c.597G>A (p.Glu199=)

Gene: SEMA3G (semaphorin 3G; minus strand). Cytogenetic location: 3p21.1.
Variant type: single nucleotide variant.
Coding change: c.597G>A on transcript NM_020163.3 (MANE Select); coding-DNA position 597, G replaced by A.
Protein change: p.Glu199=; no amino-acid change (glutamic acid 199 retained).
Molecular consequence: synonymous variant.
Genome position (GRCh38, 1-based): chr3:52,441,644, C>T on the plus strand (G>A on the coding strand, the complement: SEMA3G is on the minus strand). VCF-style: chr3-52441644-C-T. GRCh37 (hg19) VCF-style: chr3-52475660-C-T.
Identifiers: ClinVar variation 4977685 (VCV004977685.1).